The following is an entry in ClinVar:

NC_012920.1(MT-ND2):m.4472T>C

Gene: MT-ND2 (mitochondrially encoded NADH dehydrogenase 2; plus strand).
Variant type: single nucleotide variant.
Genome position: chrM-4472-T-C.
Identifiers: ClinVar variation 376834 (VCV000376834.3), dbSNP rs1057520067, ClinGen allele CA16603181.

ClinVar aggregate classification (germline): Uncertain significance (1 of 4 stars; one submission).

Submission:

Center for Pediatric Genomic Medicine, Children's Mercy Hospital and Clinics
Classification: Uncertain significance. Last evaluated: 2017-01-02. Review status: criteria provided, single submitter. Criteria: ACMG Guidelines, 2015. Collection method: clinical testing. Allele origin: germline.
ClinVar note: Converted during submission from Uncertain Significance to Uncertain significance.